The following is an entry in ClinVar:

ClinVar aggregate classification (germline): Pathogenic (1 of 4 stars; one submission).

Submission:

Quest Diagnostics Nichols Institute San Juan Capistrano
Classification: Pathogenic. Last evaluated: 2023-02-20. Review status: criteria provided, single submitter. Criteria: ACMG/ClinGen CNV Guidelines, 2019. Collection method: clinical testing. Allele origin: unknown.
Comment: This gain involves multiple exons (NM_015335.5) of an intragenic portion of MED13L (OMIM 608771). Haploinsufficiency of MED13L is associated with autosomal dominant impaired intellectual development and distinctive facial features with or without cardiac defects (OMIM 616789). Intragenic duplications have been reported in three affected individuals as apparently disruptive and resulting in phenotypic features of this disorder (Adegbola 2015). There are no similar copy number gains of this region in the general populations of the Database of Genomic Variants. Thus, based on current medical literature and gene content, this copy number variant (CNV) is classified as pathogenic. _x000D__x000D_ References: Adegbola et al., Eur J Hum Genet. 2015 Oct;23(10):1308-17. PMID: 25758992

GRCh37/hg19 12q24.21(chr12:116448190-116603459)x3

Gene: MED13L (mediator complex subunit 13L; minus strand). Cytogenetic location: 12q24.21.
Variant type: copy number gain.
Change: copy number 3 (three copies instead of two) of chr12:116,448,190-116,603,459 (155.3 kb, GRCh37 coordinates, 1-based), cytogenetic band 12q24.21.
Identifiers: ClinVar variation 2684683 (VCV002684683.1).